The following is an entry in ClinVar:

NM_001010892.3(RSPH4A):c.152C>A (p.Thr51Asn)

Genes: RSPH4A (radial spoke head component 4A; plus strand), LOC129997052 (ATAC-STARR-seq lymphoblastoid active region 24998; plus strand). Cytogenetic location: 6q22.1.
Variant type: single nucleotide variant.
Coding change: c.152C>A on transcript NM_001010892.3 (MANE Select); coding-DNA position 152, C replaced by A.
Protein change: p.Thr51Asn; replaces threonine 51 with asparagine.
Molecular consequence: missense variant.
Genome position (GRCh38, 1-based): chr6:116,616,775, C>A. VCF-style: chr6-116616775-C-A. GRCh37 (hg19) VCF-style: chr6-116937938-C-A.
Other names: c.152C>A, p.Thr51Asn (NM_001161664.2); short protein forms T51N.
Identifiers: ClinVar variation 4734161 (VCV004734161.1).
Genomic context (GRCh38, chr6:116,616,775, plus strand): 5'-CTCCCCAATATTCTGAGCCTGAGTCGTCTGAGCCCTTGGAGGCGAAGCAGGGGCCAGAAA[C>A]TGGACGCCAGTCCCGAAGCAGCCGTCCTTGGAGCCCGCAGTCTAGAGCCAAGACGCCTCT-3'
Protein context (NP_001010892.1, residues 41-61): EPLEAKQGPE[Thr51Asn]GRQSRSSRPW

ClinVar aggregate classification (germline): Uncertain significance (1 of 4 stars; one submission).

Conditions:
Primary ciliary dyskinesia. Also called: Ciliary dyskinesia. Identifiers: Orphanet 244, MedGen C0008780, MONDO:0016575, HP:0012265.

Submission:

Labcorp Genetics (formerly Invitae), Labcorp
Classification: Uncertain significance for Primary ciliary dyskinesia. Last evaluated: 2026-01-08. Review status: criteria provided, single submitter. Criteria: Invitae Variant Classification Sherloc (09022015). Collection method: clinical testing. Allele origin: germline.
Comment: This sequence change replaces threonine, which is neutral and polar, with asparagine, which is neutral and polar, at codon 51 of the RSPH4A protein (p.Thr51Asn). This variant is not present in population databases (gnomAD no frequency). This variant has not been reported in the literature in individuals affected with RSPH4A-related conditions. An algorithm developed to predict the effect of missense changes on protein structure and function (PolyPhen-2) suggests that this variant is likely to be tolerated. In summary, the available evidence is currently insufficient to determine the role of this variant in disease. Therefore, it has been classified as a Variant of Uncertain Significance.